The following is an entry in ClinVar:

NM_000059.4(BRCA2):c.5948del (p.Gly1983fs)

Gene: BRCA2 (BRCA2 DNA repair associated; plus strand). Cytogenetic location: 13q13.1.
Variant type: Deletion.
Coding change: c.5948del on transcript NM_000059.4 (MANE Select); coding-DNA position 5948, one base deleted (G; older notation c.5948delG).
Protein change: p.Gly1983fs; shifts the reading frame from glycine 1983.
Molecular consequence: frameshift variant.
Genome position (GRCh38, 1-based): chr13:32,340,303, G deleted; the last of 2 consecutive G bases (chr13:32,340,302-32,340,303); deleting either gives the same sequence. VCF-style (leftmost placement, unchanged base first): chr13-32340301-TG-T. GRCh37 (hg19) VCF-style: chr13-32914438-TG-T.
Other names: 6176delG; short protein forms G1983fs.
Identifiers: ClinVar variation 266906 (VCV000266906.5), dbSNP rs886040621, ClinGen allele CA10589338.
Genomic context (GRCh38, chr13:32,340,301, plus strand): 5'-AGGGAAGCTTCATAAGTCAGTCTCATCTGCAAATACTTGTGGGATTTTTAGCACAGCAAG[TG>T]GAAAATCTGTCCAGGTATCAGATGCTTCATTACAAAACGCAAGACAAGTGTTTTCTGAAA-3'

ClinVar aggregate classification (germline): Pathogenic. Review status: reviewed by expert panel (3 of 4 stars). 2 submissions from 2 submitters: Pathogenic (1). 1 of the submissions does not count toward it. Last evaluated 2016-10-18.

Conditions:
Breast-ovarian cancer, familial, susceptibility to, 2 (BROVCA2). Also called: BRCA2 Hereditary Breast and Ovarian Cancer. Identifiers: Orphanet 145, MedGen C2675520, MONDO:0012933, OMIM 612555. Disease mechanism: loss of function.

Submissions (2):

Evidence-based Network for the Interpretation of Germline Mutant Alleles (ENIGMA)
Classification: Pathogenic for Breast-ovarian cancer, familial, susceptibility to, 2. Last evaluated: 2016-10-18. Review status: reviewed by expert panel. Criteria: ENIGMA BRCA1/2 Classification Criteria (2015). Collection method: curation. Allele origin: germline.
Comment: Variant allele predicted to encode a truncated non-functional protein.

Consortium of Investigators of Modifiers of BRCA1/2 (CIMBA), c/o University of Cambridge
Classification: Pathogenic for Breast-ovarian cancer, familial, susceptibility to, 2. Last evaluated: 2015-10-02. Review status: criteria provided, single submitter. Criteria: CIMBA Mutation Classification guidelines May 2016. Collection method: clinical testing. Allele origin: germline. Not counted in ClinVar's aggregate classification.